The following is an entry in ClinVar:

ClinVar aggregate classification (germline): Pathogenic (1 of 4 stars; one submission).

Conditions:
Nemaline myopathy 8 (NEM8). Also called: Nemaline myopathy 8, autosomal recessive. Identifiers: Orphanet 171430, MedGen C3809209, MONDO:0014138, OMIM 615348.

gnomAD v4.1: 1 of 1,613,968 alleles (0.000062%); highest among the groups gnomAD compares: Non-Finnish European, 0.000085%; no homozygotes.

Submission:

Juno Genomics, Hangzhou Juno Genomics, Inc
Classification: Pathogenic for Nemaline myopathy 8. Review status: criteria provided, single submitter. Criteria: ACMG Guidelines, 2015. Collection method: clinical testing. Allele origin: germline.
Comment: Absent from controls (or at extremely low frequency if recessive) in Genome Aggregation Database.;Null variant in a gene where loss of function (LOF) is a known mechanism of disease.;Patient's phenotype or family history is highly specific for a disease with a single genetic etiology.

NM_152393.4(KLHL40):c.1222G>T (p.Gly408Ter)

Gene: KLHL40 (kelch like family member 40; plus strand). Cytogenetic location: 3p22.1.
Variant type: single nucleotide variant.
Coding change: c.1222G>T on transcript NM_152393.4 (MANE Select); coding-DNA position 1222, G replaced by T.
Protein change: p.Gly408Ter; replaces glycine 408 with a stop codon.
Molecular consequence: nonsense.
Genome position (GRCh38, 1-based): chr3:42,688,211, G>T. VCF-style: chr3-42688211-G-T. GRCh37 (hg19) VCF-style: chr3-42729703-G-T.
Other names: short protein forms G408*.
Identifiers: ClinVar variation 5019861 (VCV005019861.2).